The following is an entry in ClinVar:

ClinVar aggregate classification (germline): Uncertain significance. Review status: criteria provided, single submitter (1 of 4 stars). 2 submissions from 2 submitters: Uncertain significance (1). 1 of the submissions does not count toward it. Last evaluated 2022-07-19.

Conditions:
Nemaline myopathy 2 (NEM2). Also called: Nemaline myopathy 2, autosomal recessive. Identifiers: MedGen C1850569, MONDO:0009725, OMIM 256030.

Allele frequency attached by ClinVar (database versions not stated): gnomAD 0.00001; gnomAD exomes 0.00001 and 0.00003; TOPMed 0.00001.

Submissions (2):

Labcorp Genetics (formerly Invitae), Labcorp
Classification: Uncertain significance for Nemaline myopathy 2. Last evaluated: 2022-07-19. Review status: criteria provided, single submitter. Criteria: Invitae Variant Classification Sherloc (09022015). Collection method: clinical testing. Allele origin: germline.
Comment: This sequence change replaces methionine, which is neutral and non-polar, with leucine, which is neutral and non-polar, at codon 2849 of the NEB protein (p.Met2849Leu). This variant is present in population databases (rs764499750, gnomAD 0.004%). This variant has not been reported in the literature in individuals affected with NEB-related conditions. ClinVar contains an entry for this variant (Variation ID: 950745). Algorithms developed to predict the effect of missense changes on protein structure and function are either unavailable or do not agree on the potential impact of this missense change (SIFT: "Deleterious"; PolyPhen-2: "Not Available"; Align-GVGD: "Class C0"). In summary, the available evidence is currently insufficient to determine the role of this variant in disease. Therefore, it has been classified as a Variant of Uncertain Significance.

Natera, Inc.
Classification: Uncertain significance for Nemaline myopathy type 2. Last evaluated: 2021-07-29. Review status: no assertion criteria provided. Collection method: clinical testing. Allele origin: germline. Not counted in ClinVar's aggregate classification.

NM_001164508.2(NEB):c.8545A>T (p.Met2849Leu)

Gene: NEB (nebulin; minus strand). Cytogenetic location: 2q23.3.
Variant type: single nucleotide variant.
Coding change: c.8545A>T on transcript NM_001164508.2 (MANE Select); coding-DNA position 8545, A replaced by T.
Protein change: p.Met2849Leu; replaces methionine 2849 with leucine.
Molecular consequence: missense variant.
Genome position (GRCh38, 1-based): chr2:151,640,495, T>A on the plus strand (A>T on the coding strand, the complement: NEB is on the minus strand). VCF-style: chr2-151640495-T-A. GRCh37 (hg19) VCF-style: chr2-152497009-T-A.
Other names: c.8545A>T, p.Met2849Leu (NM_001164507.2, NM_001271208.2, NM_004543.5); short protein forms M2849L.
Identifiers: ClinVar variation 950745 (VCV000950745.8), dbSNP rs764499750, ClinGen allele CA57665007.
Genomic context (GRCh38, chr2:151,640,495, plus strand): 5'-TCTTGTAGTCCACATCGCTGACTAAGGTCTGGCACTTCTTGGCCAGCACCACCCCCAGCA[T>A]GTCCACTGGGCTGCTGAACTTGGTCTTCCACTTCTCAAAGTCCTTCTTGTACTCCCTGTC-3'
Protein context (NP_001157980.2, residues 2839-2859): WKTKFSSPVD[Met2849Leu]LGVVLAKKCQ